The following is an entry in ClinVar:

ClinVar aggregate classification (germline): Uncertain significance (1 of 4 stars; one submission).

Conditions:
STXBP5-related disorder. Also called: STXBP5-related condition.

Submission:

PreventionGenetics, part of Exact Sciences
Classification: Uncertain significance for STXBP5-related condition. Last evaluated: 2022-08-25. Review status: criteria provided, single submitter. Criteria: ACMG Guidelines, 2015. Collection method: clinical testing. Allele origin: germline.
Comment: The STXBP5 c.3423G>C variant is predicted to result in the amino acid substitution p.Leu1141Phe. To our knowledge, this variant has not been reported in the literature or in a large population database, indicating this variant is rare. At this time, the clinical significance of this variant is uncertain due to the absence of conclusive functional and genetic evidence.

NM_001127715.4(STXBP5):c.3423G>C (p.Leu1141Phe)

Gene: STXBP5 (syntaxin binding protein 5; plus strand). Cytogenetic location: 6q24.3.
Variant type: single nucleotide variant.
Coding change: c.3423G>C on transcript NM_001127715.4 (MANE Select); coding-DNA position 3423, G replaced by C.
Protein change: p.Leu1141Phe; replaces leucine 1141 with phenylalanine.
Molecular consequence: missense variant.
Genome position (GRCh38, 1-based): chr6:147,384,722, G>C. VCF-style: chr6-147384722-G-C. GRCh37 (hg19) VCF-style: chr6-147705858-G-C.
Other names: c.3375G>C, p.Leu1125Phe (NM_001394409.1); c.3315G>C, p.Leu1105Phe (NM_139244.6); short protein forms L1105F, L1125F, L1141F.
Identifiers: ClinVar variation 2636554 (VCV002636554.1), dbSNP rs2534567847, ClinGen allele CA366205097.